The following is an entry in ClinVar:

NM_004281.4(BAG3):c.1440_1450del (p.Arg480fs)

Gene: BAG3 (BAG cochaperone 3; plus strand). Cytogenetic location: 10q26.11.
Variant type: Deletion.
Coding change: c.1440_1450del on transcript NM_004281.4 (MANE Select); coding-DNA positions 1440 to 1450, 11 bases deleted (GAGAGACGGTG).
Protein change: p.Arg480fs; shifts the reading frame from arginine 480.
Molecular consequence: frameshift variant.
Genome position (GRCh38, 1-based): chr10:119,676,994-119,677,004, GAGAGACGGTG deleted; deleting any 11 consecutive bases within chr10:119,676,993-119,677,004 gives the same sequence; the c. name uses the placement nearest the transcript's 3' end. VCF-style (leftmost placement, unchanged base first): chr10-119676992-AGGAGAGACGGT-A. GRCh37 (hg19) VCF-style: chr10-121436504-AGGAGAGACGGT-A.
Other names: c.1440_1450del11 (NM_004281.3); short protein forms R480fs.
Identifiers: ClinVar variation 3223768 (VCV003223768.1), dbSNP rs2494024121, ClinGen allele CA2825001684.
Genomic context (GRCh38, chr10:119,676,992, plus strand): 5'-AAAGAGCTGCTGGCCCTGGATTCAGTGGACCCCGAGGGACGAGCCGATGTGCGTCAGGCC[AGGAGAGACGGT>A]GTCAGGAAGGTTCAGACCATCTTGGAAAAACTTGAACAGAAAGCCATTGATGTCCCAGGT-3'

ClinVar aggregate classification (germline): Likely pathogenic (1 of 4 stars; one submission).

Conditions:
Cardiovascular phenotype. Identifiers: MedGen CN230736.

Submission:

Ambry Genetics
Classification: Likely pathogenic for Cardiovascular phenotype. Last evaluated: 2023-10-18. Review status: criteria provided, single submitter. Criteria: Ambry Variant Classification Scheme 2023. Collection method: clinical testing. Allele origin: germline.
Comment: The c.1440_1450del11 variant, located in coding exon 4 of the BAG3 gene, results from a deletion of 11 nucleotides at nucleotide positions 1440 to 1450, causing a translational frameshift with a predicted alternate stop codon (p.R480Sfs*12). This alteration occurs at the 3' terminus of theBAG3 gene, is not expected to trigger nonsense-mediated mRNA decay, and only impacts the last 16.7% of the protein. However, premature stop codons are typically deleterious in nature and the impacted region is critical for protein function (Ambry internal data). This variant is considered to be rare based on population cohorts in the Genome Aggregation Database (gnomAD). Based on the majority of available evidence to date, this variant is likely to be pathogenic.